The following is an entry in ClinVar:

ClinVar aggregate classification (germline): Uncertain significance (1 of 4 stars; one submission).

Conditions:
Nizon-Isidor syndrome. Identifiers: MedGen C5394350, MONDO:0030030, OMIM 618872.

Submission:

3billion
Classification: Uncertain significance for Nizon-Isidor syndrome. Last evaluated: 2025-12-02. Review status: criteria provided, single submitter. Criteria: ACMG Guidelines, 2015. Collection method: clinical testing. Allele origin: germline. Affected: yes.
Comment: The variant is not observed in the gnomAD v4.1.0 dataset. Predicted Consequence/Location: Missense variant In silico tool prediction suggests damaging effect of the variant on gene or gene product [REVEL: 0.88 (>=0.6, sensitivity 0.68 and specificity 0.92)]. Therefore, this variant is classified as VUS according to the recommendation of ACMG/AMP guideline.

NM_001393769.1(MED12L):c.2494G>C (p.Asp832His)

Genes: MED12L (mediator complex subunit 12L; plus strand), P2RY12 (purinergic receptor P2Y12; minus strand). Cytogenetic location: 3q25.1.
Variant type: single nucleotide variant.
Coding change: c.2494G>C on transcript NM_001393769.1 (MANE Select); coding-DNA position 2494, G replaced by C.
Protein change: p.Asp832His; replaces aspartic acid 832 with histidine.
Molecular consequence: missense variant. On other transcripts: intron variant (1).
Genome position (GRCh38, 1-based): chr3:151,355,216, G>C. VCF-style: chr3-151355216-G-C. GRCh37 (hg19) VCF-style: chr3-151073004-G-C.
Other names: c.2389G>C, p.Asp797His (NM_053002.6); c.-179-14456C>G (NM_022788.5); short protein forms D797H, D832H.
Identifiers: ClinVar variation 4853925 (VCV004853925.1).